The following is an entry in ClinVar:

NM_007194.4(CHEK2):c.1095+5_1095+6del

Gene: CHEK2 (checkpoint kinase 2; minus strand). Cytogenetic location: 22q12.1.
Variant type: Deletion.
Coding change: c.1095+5_1095+6del on transcript NM_007194.4 (MANE Select); bases 5 to 6 of the intron after coding-DNA position 1095, 2 bases deleted (GA; older notation c.1095+5_1095+6delGA).
Molecular consequence: intron variant.
Genome position (GRCh38, 1-based): chr22:28,696,895-28,696,896, TC deleted on the plus strand (GA on the coding strand, the reverse complement: CHEK2 is on the minus strand); deleting any 2 consecutive bases within chr22:28,696,895-28,696,897 gives the same sequence; the c. name uses the placement nearest the transcript's 3' end. VCF-style (leftmost placement, unchanged base first): chr22-28696894-TTC-T. GRCh37 (hg19) VCF-style: chr22-29092882-TTC-T.
Other names: c.432+5_432+6del (NM_001437942.1, NM_001257387.3); c.894+5_894+6del (NM_001349956.3); c.1009-1023_1009-1022del (NM_145862.3); c.1102-1023_1102-1022del (NM_001438295.1); c.1188+5_1188+6del (NM_001438293.1); c.1138-1023_1138-1022del (NM_001438294.1); c.1224+5_1224+6del (NM_001005735.3).
Identifiers: ClinVar variation 644179 (VCV000644179.9), dbSNP rs1601726457, ClinGen allele CA915952848.

ClinVar aggregate classification (germline): Uncertain significance (1 of 4 stars; one submission).

Conditions:
Familial cancer of breast. Also called: hereditary breast carcinoma; BREAST CANCER, FAMILIAL; Hereditary breast cancer. Identifiers: Orphanet 227535, MedGen C0346153, MONDO:0016419, OMIM 114480. Disease mechanism: loss of function.

Submission:

Labcorp Genetics (formerly Invitae), Labcorp
Classification: Uncertain significance for Familial cancer of breast. Last evaluated: 2019-11-23. Review status: criteria provided, single submitter. Criteria: Invitae Variant Classification Sherloc (09022015). Collection method: clinical testing. Allele origin: germline.
Comment: This variant has not been reported in the literature in individuals with CHEK2-related disease. ClinVar contains an entry for this variant (Variation ID: 644179). This variant is not present in population databases (ExAC no frequency). This sequence change falls in intron 10 of the CHEK2 gene. It does not directly change the encoded amino acid sequence of the CHEK2 protein, but it affects a nucleotide within the consensus splice site of the intron. In summary, the available evidence is currently insufficient to determine the role of this variant in disease. Therefore, it has been classified as a Variant of Uncertain Significance. Nucleotide substitutions within the consensus splice site are a relatively common cause of aberrant splicing (PMID: 17576681, 9536098). Algorithms developed to predict the effect of sequence changes on RNA splicing suggest that this variant may disrupt the consensus splice site, but this prediction has not been confirmed by published transcriptional studies.

Literature cited by the submitters: PubMed 17576681; PubMed 9536098.